The following is an entry in ClinVar:

NM_000059.4(BRCA2):c.1405_1406del (p.Arg468_Asp469insTer)

Gene: BRCA2 (BRCA2 DNA repair associated; plus strand). Cytogenetic location: 13q13.1.
Variant type: Microsatellite.
Coding change: c.1405_1406del on transcript NM_000059.4 (MANE Select); coding-DNA positions 1405 to 1406, 2 bases deleted (GA; older notation c.1405_1406delGA).
Protein change: p.Arg468_Asp469insTer.
Molecular consequence: nonsense.
Genome position (GRCh38, 1-based): chr13:32,332,883-32,332,884, GA deleted; deleting any 2 consecutive bases within chr13:32,332,878-32,332,884 gives the same sequence; the c. name uses the placement nearest the transcript's 3' end. VCF-style (leftmost placement, unchanged base first): chr13-32332877-AAG-A. GRCh37 (hg19) VCF-style: chr13-32907014-AAG-A.
Other names: 1633_1634delGA; c.1405_1406delGA (NM_000059.3).
Identifiers: ClinVar variation 51119 (VCV000051119.20), dbSNP rs397507586, ClinGen allele CA011927.

ClinVar aggregate classification (germline): Pathogenic. Review status: reviewed by expert panel (3 of 4 stars). 8 submissions from 8 submitters: Pathogenic (1). 7 of the submissions do not count toward it. Last evaluated 2016-10-18.

Conditions:
Hereditary breast ovarian cancer syndrome. Also called: Hereditary breast and ovarian cancer syndrome; Hereditary breast and ovarian cancer; Hereditary breast and ovarian cancer syndrome (HBOC); Breast and ovarian cancer; Hereditary breast and/or ovarian cancer syndrome; BRCA1- and BRCA2-Associated Hereditary Breast and Ovarian Cancer. Identifiers: Orphanet 145, MedGen C0677776, MeSH D061325, MONDO:0003582. Disease mechanism: loss of function.
Hereditary cancer-predisposing syndrome. Also called: Neoplastic Syndromes, Hereditary; Tumor predisposition; Hereditary Cancer Syndrome; Hereditary neoplastic syndrome. Identifiers: Orphanet 140162, MedGen C0027672, MeSH D009386, MONDO:0015356.
Breast-ovarian cancer, familial, susceptibility to, 2 (BROVCA2). Also called: BRCA2 Hereditary Breast and Ovarian Cancer. Identifiers: Orphanet 145, MedGen C2675520, MONDO:0012933, OMIM 612555. Disease mechanism: loss of function.
Familial cancer of breast. Also called: BREAST CANCER, FAMILIAL; Hereditary breast cancer; hereditary breast carcinoma. Identifiers: Orphanet 227535, MedGen C0346153, MONDO:0016419, OMIM 114480. Disease mechanism: loss of function.

Submissions (8):

Evidence-based Network for the Interpretation of Germline Mutant Alleles (ENIGMA)
Classification: Pathogenic for Breast-ovarian cancer, familial, susceptibility to, 2. Last evaluated: 2016-10-18. Review status: reviewed by expert panel. Criteria: ENIGMA BRCA1/2 Classification Criteria (2015). Collection method: curation. Allele origin: germline.
Comment: Variant allele predicted to encode a truncated non-functional protein.

Labcorp Genetics (formerly Invitae), Labcorp
Classification: Pathogenic for Hereditary breast ovarian cancer syndrome. Last evaluated: 2025-11-27. Review status: criteria provided, single submitter. Criteria: Invitae Variant Classification Sherloc (09022015). Collection method: clinical testing. Allele origin: germline. Not counted in ClinVar's aggregate classification.
Comment: This sequence change creates a premature translational stop signal (p.Asp469*) in the BRCA2 gene. It is expected to result in an absent or disrupted protein product. Loss-of-function variants in BRCA2 are known to be pathogenic (PMID: 20104584). This variant is not present in population databases (gnomAD no frequency). This premature translational stop signal has been observed in individual(s) with hereditary breast and ovarian cancer (PMID: 11802209). This variant is also known as 1633delGA. For these reasons, this variant has been classified as Pathogenic.

Baylor Genetics
Classification: Pathogenic for Familial cancer of breast. Last evaluated: 2022-07-11. Review status: criteria provided, single submitter. Criteria: ACMG Guidelines, 2015. Collection method: clinical testing. Allele origin: unknown. Not counted in ClinVar's aggregate classification.

Ambry Genetics
Classification: Pathogenic for Hereditary cancer-predisposing syndrome. Last evaluated: 2021-11-12. Review status: criteria provided, single submitter. Criteria: Ambry Variant Classification Scheme 2023. Collection method: clinical testing. Allele origin: germline. Not counted in ClinVar's aggregate classification.
Comment: The c.1405_1406delGA pathogenic mutation, located in coding exon 9 of the BRCA2 gene, results from a deletion of two nucleotides at nucleotide positions 1405 to 1406, causing a translational frameshift with a predicted alternate stop codon (p.D469*). This alteration has been identified in individuals diagnosed with breast, pancreatic and/or ovarian cancer (Lowery MA et al. J Natl Cancer Inst, 2018 10;110:1067-1074; Manchana T et al. World J Clin Oncol, 2019 Nov;10:358-368; Lerner-Ellis J et al. J Cancer Res Clin Oncol, 2021 Mar;147:871-879). This alteration has also been reported in 1/1197 individuals from Greece, Romania, and Turkey undergoing evaluation for inherited cancer predisposition (Tsaousis GN et al. BMC Cancer, 2019 Jun;19:535). Additionally, this alteration was identified in a large, worldwide study of BRCA1/2 mutation positive families (Rebbeck TR et al. Hum Mutat, 2018 05;39:593-620). This variant is considered to be rare based on population cohorts in the Genome Aggregation Database (gnomAD). In addition to the clinical data presented in the literature, this alteration is expected to result in loss of function by premature protein truncation or nonsense-mediated mRNA decay. As such, this alteration is interpreted as a disease-causing mutation.

Color Diagnostics, LLC DBA Color Health
Classification: Pathogenic for Hereditary cancer-predisposing syndrome. Last evaluated: 2020-06-01. Review status: criteria provided, single submitter. Criteria: ACMG Guidelines, 2015. Collection method: clinical testing. Allele origin: germline. Not counted in ClinVar's aggregate classification.
Comment: This variant deletes 2 nucleotides in exon 10 of the BRCA2 gene, creating a frameshift and premature translation stop signal. This variant is expected to result in an absent or non-functional protein product. This variant has been reported in individuals affected with breast cancer, ovarian cancer and pancreatic cancer (PMID: 29506128, 3120999, 31467961, 31815095). This variant has not been identified in the general population by the Genome Aggregation Database (gnomAD). Loss of BRCA2 function is a known mechanism of disease. Based on the available evidence, this variant is classified as Pathogenic.

GeneKor MSA
Classification: Pathogenic for Hereditary Breast Carcinoma. Last evaluated: 2020-01-01. Review status: criteria provided, single submitter. Criteria: ACMG Guidelines, 2015. Collection method: clinical testing. Allele origin: germline. Affected: yes. Not counted in ClinVar's aggregate classification.
Comment: This sequence change deletes 2 nucleotide in exon 10 of the BRCA2 mRNA (c.1405_1406delGA). The result is a change in the reading frame and creation of premature stop codon at position 469 of the BRCA2 protein. The resulting protein is expected to be truncated and disrupted. This sequence change has been described in literature in patients with breast and ovarian cancer in the German population (PMID: 11802209 ). The mutation database ClinVar contains an entry for this variant (Variation ID: 51119).

Consortium of Investigators of Modifiers of BRCA1/2 (CIMBA), c/o University of Cambridge
Classification: Pathogenic for Breast-ovarian cancer, familial, susceptibility to, 2. Last evaluated: 2015-10-02. Review status: criteria provided, single submitter. Criteria: CIMBA Mutation Classification guidelines May 2016. Collection method: clinical testing. Allele origin: germline. Not counted in ClinVar's aggregate classification.

Department of Pathology and Laboratory Medicine, Sinai Health System
Classification: Pathogenic for Breast-ovarian cancer, familial, susceptibility to, 2. Review status: no assertion criteria provided. Collection method: clinical testing. Allele origin: unknown. Affected: yes. Study: The Canadian Open Genetics Repository (COGR). Not counted in ClinVar's aggregate classification.
Comment: The BRCA2 p.Asp469* variant was identified in 4 of 61378 proband chromosomes (frequency: 0.00007) from individuals or families with breast and ovarian cancer (Rebbeck 2018, Meindl 2002). The variant was also identified in dbSNP (ID: rs397507586) as "With Pathogenic allele", ClinVar (classified 4x as Pathogenic by four submitters), LOVD 3.0 and in ARUP Laboratories (as Definitely Pathogenic) databases. It was not identified in the UMD-LSDB database, nor was it identified in the following control databases: the Exome Aggregation Consortium (August 8th 2016), or the Genome Aggregation Database (Feb 27, 2017). The c.1405_1406del variant leads to a premature stop codon at position 469 which is predicted to lead to a truncated or absent protein and loss of function. Loss of function variants of the BRCA2 gene are an established mechanism of disease in hereditary breast and ovarian cancer and is the type of variant expected to cause the disorder. In summary, based on the above information, this variant meets our laboratoryâ€šÃ„Ã´s criteria to be classified as pathogenic.

Literature cited by the submitters: PubMed 20104584 (cited by Labcorp Genetics (formerly Invitae), Labcorp); PubMed 11802209 (cited by Labcorp Genetics (formerly Invitae), Labcorp); PubMed 29446198 (cited by Ambry Genetics); PubMed 29506128 (cited by Ambry Genetics); PubMed 31159747 (cited by Ambry Genetics); PubMed 31815095 (cited by Ambry Genetics); PubMed 32885271 (cited by Ambry Genetics).